The following is an entry in ClinVar:

ClinVar aggregate classification (germline): Likely pathogenic (1 of 4 stars; one submission).

Conditions:
Charcot-Marie-Tooth disease type 4. Also called: Charcot-Marie-Tooth, Type 4; Charcot-Marie-Tooth disease, type IV. Identifiers: Orphanet 64749, MedGen C4082197, MONDO:0018995.

Submission:

Labcorp Genetics (formerly Invitae), Labcorp
Classification: Likely pathogenic for Charcot-Marie-Tooth disease type 4. Last evaluated: 2023-01-25. Review status: criteria provided, single submitter. Criteria: Invitae Variant Classification Sherloc (09022015). Collection method: clinical testing. Allele origin: germline.
Comment: In summary, the currently available evidence indicates that the variant is pathogenic, but additional data are needed to prove that conclusively. Therefore, this variant has been classified as Likely Pathogenic. Algorithms developed to predict the effect of sequence changes on RNA splicing suggest that this variant may disrupt the consensus splice site. This variant has not been reported in the literature in individuals affected with SBF2-related conditions. This variant is not present in population databases (gnomAD no frequency). This sequence change affects an acceptor splice site in intron 34 of the SBF2 gene. It is expected to disrupt RNA splicing. Variants that disrupt the donor or acceptor splice site typically lead to a loss of protein function (PMID: 16199547), and loss-of-function variants in SBF2 are known to be pathogenic (PMID: 12687498, 25873783).

Literature cited by the submitters: PubMed 16199547; PubMed 12687498; PubMed 25873783.

NM_030962.4(SBF2):c.4699-1G>T

Genes: SBF2 (SET binding factor 2; minus strand), SBF2-AS1 (SBF2 antisense RNA 1; plus strand), LOC105369149 (uncharacterized LOC105369149; plus strand). Cytogenetic location: 11p15.4.
Variant type: single nucleotide variant.
Coding change: c.4699-1G>T on transcript NM_030962.4 (MANE Select); the canonical splice acceptor site of the intron before coding-DNA position 4699, G replaced by T.
Molecular consequence: splice acceptor variant.
Genome position (GRCh38, 1-based): chr11:9,789,343, C>A on the plus strand (G>T on the coding strand, the complement: SBF2 is on the minus strand). VCF-style: chr11-9789343-C-A. GRCh37 (hg19) VCF-style: chr11-9810890-C-A.
Other names: c.4735-1G>T (NM_001424318.1); c.4570-1G>T (NM_001386342.1); c.4795-1G>T (NM_001386339.1).
Identifiers: ClinVar variation 2831932 (VCV002831932.3), dbSNP rs2494513770, ClinGen allele CA379634566.